The following is an entry in ClinVar:

NM_020806.5(GPHN):c.1223G>A (p.Gly408Asp)

Gene: GPHN (gephyrin; plus strand). Cytogenetic location: 14q23.3.
Variant type: single nucleotide variant.
Coding change: c.1223G>A on transcript NM_020806.5 (MANE Select); coding-DNA position 1223, G replaced by A.
Protein change: p.Gly408Asp; replaces glycine 408 with aspartic acid.
Molecular consequence: missense variant.
Genome position (GRCh38, 1-based): chr14:67,089,061, G>A. VCF-style: chr14-67089061-G-A. GRCh37 (hg19) VCF-style: chr14-67555778-G-A.
Other names: c.1124G>A, p.Gly375Asp (NM_001024218.2); c.1283G>A, p.Gly428Asp (NM_001377514.1); c.1253G>A, p.Gly418Asp (NM_001377515.1); c.1244G>A, p.Gly415Asp (NM_001377516.1); c.1196G>A, p.Gly399Asp (NM_001377517.1); c.1181G>A, p.Gly394Asp (NM_001377518.1); c.1163G>A, p.Gly388Asp (NM_001377519.1); short protein forms G394D, G408D, G375D, G418D, G415D, G428D, G388D, G399D.
Identifiers: ClinVar variation 2137597 (VCV002137597.4), dbSNP rs2543059971, ClinGen allele CA390257328.
Genomic context (GRCh38, chr14:67,089,061, plus strand): 5'-TTGCTCAAGATGTATATGCAAAAGACAATTTACCCCCCTTCCCAGCATCAGTAAAAGATG[G>A]CTATGCTGTCCGAGGTAAATATTTTGGTTTTCTTAAACATAATCAGGCACTGTATTTTTT-3'
Protein context (NP_065857.1, residues 398-418): LPPFPASVKD[Gly408Asp]YAVRAADGPG

ClinVar aggregate classification (germline): Pathogenic (1 of 4 stars; one submission).

Conditions:
Sulfite oxidase deficiency due to molybdenum cofactor deficiency type C. Also called: Molybdenum cofactor deficiency, complementation group C; Molybdenum cofactor deficiency C. Identifiers: Orphanet 308400, Orphanet 833, MedGen C1854990, MONDO:0014212, OMIM 615501.

Submission:

Labcorp Genetics (formerly Invitae), Labcorp
Classification: Pathogenic for Sulfite oxidase deficiency due to molybdenum cofactor deficiency type C. Last evaluated: 2022-04-06. Review status: criteria provided, single submitter. Criteria: Invitae Variant Classification Sherloc (09022015). Collection method: clinical testing. Allele origin: germline.
Comment: For these reasons, this variant has been classified as Pathogenic. Experimental studies have shown that this missense change affects GPHN function (PMID: 26613940). Algorithms developed to predict the effect of missense changes on protein structure and function are either unavailable or do not agree on the potential impact of this missense change (SIFT: "Deleterious"; PolyPhen-2: "Probably Damaging"; Align-GVGD: "Class C0"). This variant is also known as c.1124G>A (p.Gly375Asp). This missense change has been observed in individual(s) with autosomal dominant epileptic encephalopathy (PMID: 26613940). In at least one individual the variant was observed to be de novo. This variant is not present in population databases (gnomAD no frequency). This sequence change replaces glycine, which is neutral and non-polar, with aspartic acid, which is acidic and polar, at codon 408 of the GPHN protein (p.Gly408Asp).

Literature cited by the submitters: PubMed 26613940.